The following is an entry in ClinVar:

ClinVar aggregate classification (germline): Uncertain significance (1 of 4 stars; one submission).

Conditions:
Kabuki syndrome 1 (KABUK1). Also called: KMT2D-Related Kabuki Syndrome. Identifiers: Orphanet 2322, MedGen CN030661, MONDO:0007843, OMIM 147920.

Allele frequency attached by ClinVar (database versions not stated): ExAC below 0.00001; gnomAD exomes below 0.00001.

Submission:

Centre for Mendelian Genomics, University Medical Centre Ljubljana
Classification: Uncertain significance for Kabuki syndrome 1. Last evaluated: 2019-06-03. Review status: criteria provided, single submitter. Criteria: ACMG Guidelines, 2015. Collection method: clinical testing. Allele origin: unknown. Affected: yes.
Comment: This variant was classified as: Uncertain significance. The available evidence on this variant's pathogenicity is insufficient or conflicting. The following ACMG criteria were applied in classifying this variant: BP4.

NM_003482.4(KMT2D):c.4590G>A (p.Met1530Ile)

Gene: KMT2D (lysine methyltransferase 2D; minus strand). Cytogenetic location: 12q13.12.
Variant type: single nucleotide variant.
Coding change: c.4590G>A on transcript NM_003482.4 (MANE Select); coding-DNA position 4590, G replaced by A.
Protein change: p.Met1530Ile; replaces methionine 1530 with isoleucine.
Molecular consequence: missense variant.
Genome position (GRCh38, 1-based): chr12:49,046,168, C>T on the plus strand (G>A on the coding strand, the complement: KMT2D is on the minus strand). VCF-style: chr12-49046168-C-T. GRCh37 (hg19) VCF-style: chr12-49439951-C-T.
Other names: short protein forms M1530I.
Identifiers: ClinVar variation 931112 (VCV000931112.3), dbSNP rs781202455, ClinGen allele CA6547788.
Genomic context (GRCh38, chr12:49,046,168, plus strand): 5'-GCCTTCATCGGCTGCCTGCTCCACATCGTCCTCTGTGAAGAGGCTCTCACAGCCTGCATG[C>T]ATCCACCTGGAGAACAGAGACTGGAGGAAATAAGCTCAGGCAATGCGAGGCTGGCAACAG-3'
Protein context (NP_003473.3, residues 1520-1540): LIQCRHCERW[Met1530Ile]HAGCESLFTE